The following is an entry in ClinVar:

ClinVar aggregate classification (germline): Uncertain significance (1 of 4 stars; one submission).

Conditions:
Hereditary cancer-predisposing syndrome. Also called: Tumor predisposition; Hereditary neoplastic syndrome; Hereditary Cancer Syndrome; Neoplastic Syndromes, Hereditary. Identifiers: Orphanet 140162, MedGen C0027672, MeSH D009386, MONDO:0015356.

Submission:

Ambry Genetics
Classification: Uncertain significance for Hereditary cancer-predisposing syndrome. Last evaluated: 2025-06-12. Review status: criteria provided, single submitter. Criteria: Ambry Variant Classification Scheme 2023. Collection method: clinical testing. Allele origin: germline.
Comment: The p.K1370I variant (also known as c.4109A>T), located in coding exon 15 of the APC gene, results from an A to T substitution at nucleotide position 4109. The lysine at codon 1370 is replaced by isoleucine, an amino acid with dissimilar properties. This amino acid position is conserved. In addition, in silico predictors for this gene do not accurately predict pathogenicity. Based on the available evidence, the clinical significance of this variant remains unclear.

NM_000038.6(APC):c.4109A>T (p.Lys1370Ile)

Gene: APC (APC regulator of Wnt signaling pathway; plus strand). Cytogenetic location: 5q22.2.
Variant type: single nucleotide variant.
Coding change: c.4109A>T on transcript NM_000038.6 (MANE Select); coding-DNA position 4109, A replaced by T.
Protein change: p.Lys1370Ile; replaces lysine 1370 with isoleucine.
Molecular consequence: missense variant. On other transcripts: non-coding transcript variant (2).
Genome position (GRCh38, 1-based): chr5:112,839,703, A>T. VCF-style: chr5-112839703-A-T. GRCh37 (hg19) VCF-style: chr5-112175400-A-T.
Other names: c.2957A>T, p.Lys986Ile (NM_001407471.1, NM_001407472.1); c.3806A>T, p.Lys1269Ile (NM_001407459.1, NM_001407460.1, NM_001354903.2 and 1 more transcripts); c.3722A>T, p.Lys1241Ile (NM_001407467.1, NM_001407469.1); c.3260A>T, p.Lys1087Ile (NM_001407470.1, NM_001354906.2); c.4109A>T, p.Lys1370Ile (NM_001127510.3, NM_001354895.2, NM_001407450.1); c.4055A>T, p.Lys1352Ile (NM_001127511.3); c.4163A>T, p.Lys1388Ile (NM_001354896.2, NM_001407447.1, NM_001407448.1 and 1 more transcripts); c.4139A>T, p.Lys1380Ile (NM_001354897.2); and 11 more; short protein forms K1241I, K1329I, K1360I, K1363I, K1087I, K1244I, K1279I, K1345I.
Identifiers: ClinVar variation 3930033 (VCV003930033.1).